The following is an entry in ClinVar:

ClinVar aggregate classification (germline): Uncertain significance. Review status: criteria provided, single submitter (1 of 4 stars). 2 submissions from 2 submitters: Uncertain significance (1). 1 of the submissions does not count toward it. Last evaluated 2025-01-20.

Conditions:
Cholestanol storage disease (CTX). Also called: CEREBRAL CHOLESTERINOSIS; CTX: Cerebrotendinous xanthomatosis; Cerebrotendinous Xanthomatosis. Identifiers: Orphanet 909, MedGen C0238052, MONDO:0008948, OMIM 213700.
CYP27A1-related disorder. Also called: CYP27A1-related condition.

Allele frequency attached by ClinVar (database versions not stated): ExAC 0.00001; gnomAD 0.00001; gnomAD exomes 0.00001; TOPMed 0.00001.
gnomAD v4.1: 6 of 1,613,994 alleles (0.00037%); highest among the groups gnomAD compares: Admixed American, 0.0017%; no homozygotes.

Submissions (2):

Labcorp Genetics (formerly Invitae), Labcorp
Classification: Uncertain significance for Cholestanol storage disease. Last evaluated: 2025-01-20. Review status: criteria provided, single submitter. Criteria: Invitae Variant Classification Sherloc (09022015). Collection method: clinical testing. Allele origin: germline.
Comment: This sequence change replaces leucine, which is neutral and non-polar, with proline, which is neutral and non-polar, at codon 488 of the CYP27A1 protein (p.Leu488Pro). This variant is present in population databases (rs770631423, gnomAD 0.003%). This variant has not been reported in the literature in individuals affected with CYP27A1-related conditions. ClinVar contains an entry for this variant (Variation ID: 1986283). Invitae Evidence Modeling of protein sequence and biophysical properties (such as structural, functional, and spatial information, amino acid conservation, physicochemical variation, residue mobility, and thermodynamic stability) indicates that this missense variant is expected to disrupt CYP27A1 protein function with a positive predictive value of 95%. In summary, the available evidence is currently insufficient to determine the role of this variant in disease. Therefore, it has been classified as a Variant of Uncertain Significance.

PreventionGenetics, part of Exact Sciences
Classification: Uncertain significance for CYP27A1-related condition. Last evaluated: 2024-04-19. Review status: no assertion criteria provided. Collection method: clinical testing. Allele origin: germline. Not counted in ClinVar's aggregate classification.
Comment: The CYP27A1 c.1463T>C variant is predicted to result in the amino acid substitution p.Leu488Pro. To our knowledge, this variant has not been reported in the literature. This variant is reported in 0.0029% of alleles in individuals of Latino descent in gnomAD. At this time, the clinical significance of this variant is uncertain due to the absence of conclusive functional and genetic evidence.

NM_000784.4(CYP27A1):c.1463T>C (p.Leu488Pro)

Gene: CYP27A1 (cytochrome P450 family 27 subfamily A member 1; plus strand). Cytogenetic location: 2q35.
Variant type: single nucleotide variant.
Coding change: c.1463T>C on transcript NM_000784.4 (MANE Select); coding-DNA position 1463, T replaced by C.
Protein change: p.Leu488Pro; replaces leucine 488 with proline.
Molecular consequence: missense variant.
Genome position (GRCh38, 1-based): chr2:218,814,744, T>C. VCF-style: chr2-218814744-T-C. GRCh37 (hg19) VCF-style: chr2-219679467-T-C.
Other names: c.1463T>C (NM_000784.3); short protein forms L488P.
Identifiers: ClinVar variation 1986283 (VCV001986283.4), dbSNP rs770631423, ClinGen allele CA2112900.